The following is an entry in ClinVar:

ClinVar aggregate classification (germline): Uncertain significance. Review status: criteria provided, multiple submitters, no conflicts (2 of 4 stars). 2 submissions from 2 submitters: Uncertain significance (2). Last evaluated 2024-03-06.

Conditions:
Cardiomyopathy (CMYO). Also called: Cardiomyopathies. Identifiers: Orphanet 167848, MedGen C0878544, MONDO:0004994, HP:0001638. Inheritance: Various modes of inheritance.
Hypertrophic cardiomyopathy. Also called: HYPERTROPHIC MYOCARDIOPATHY. Identifiers: Orphanet 217569, MedGen C0007194, MeSH D002312, MONDO:0005045, HP:0001639.

Submissions (2):

Color Diagnostics, LLC DBA Color Health
Classification: Uncertain significance for Cardiomyopathy. Last evaluated: 2024-03-06. Review status: criteria provided, single submitter. Criteria: ACMG Guidelines, 2015. Collection method: clinical testing. Allele origin: germline.
Comment: This missense variant replaces glycine with arginine at codon 481 of the MYBPC3 protein. Computational prediction suggests that this variant may have deleterious impact on protein structure and function (internally defined REVEL score threshold >= 0.7, PMID: 27666373). To our knowledge, functional studies have not been reported for this variant. This variant has not been reported in individuals affected with cardiovascular disorders in the literature. This variant has not been identified in the general population by the Genome Aggregation Database (gnomAD). The available evidence is insufficient to determine the role of this variant in disease conclusively. Therefore, this variant is classified as a Variant of Uncertain Significance.

Labcorp Genetics (formerly Invitae), Labcorp
Classification: Uncertain significance for Hypertrophic cardiomyopathy. Last evaluated: 2022-12-02. Review status: criteria provided, single submitter. Criteria: Invitae Variant Classification Sherloc (09022015). Collection method: clinical testing. Allele origin: germline.
Comment: This variant is not present in population databases (gnomAD no frequency). This sequence change replaces glycine, which is neutral and non-polar, with arginine, which is basic and polar, at codon 481 of the MYBPC3 protein (p.Gly481Arg). This variant has not been reported in the literature in individuals affected with MYBPC3-related conditions. ClinVar contains an entry for this variant (Variation ID: 936756). In summary, the available evidence is currently insufficient to determine the role of this variant in disease. Therefore, it has been classified as a Variant of Uncertain Significance. Algorithms developed to predict the effect of missense changes on protein structure and function (SIFT, PolyPhen-2, Align-GVGD) all suggest that this variant is likely to be disruptive.

NM_000256.3(MYBPC3):c.1441G>C (p.Gly481Arg)

Gene: MYBPC3 (myosin binding protein C3; minus strand). Cytogenetic location: 11p11.2.
Variant type: single nucleotide variant.
Coding change: c.1441G>C on transcript NM_000256.3 (MANE Select); coding-DNA position 1441, G replaced by C.
Protein change: p.Gly481Arg; replaces glycine 481 with arginine.
Molecular consequence: missense variant.
Genome position (GRCh38, 1-based): chr11:47,342,846, C>G on the plus strand (G>C on the coding strand, the complement: MYBPC3 is on the minus strand). VCF-style: chr11-47342846-C-G. GRCh37 (hg19) VCF-style: chr11-47364397-C-G.
Other names: short protein forms G481R.
Identifiers: ClinVar variation 936756 (VCV000936756.12), dbSNP rs2095890302, ClinGen allele CA380325557.